The following is an entry in ClinVar:

ClinVar aggregate classification (germline): Conflicting classifications of pathogenicity. Review status: criteria provided, conflicting classifications (1 of 4 stars). 3 submissions from 2 submitters: Uncertain significance (2); Likely benign (1). Last evaluated 2023-06-05.

Conditions:
Maturity-onset diabetes of the young (MODY). Also called: Maturity onset diabetes mellitus in young. Identifiers: Orphanet 552, MedGen C0342276, MONDO:0018911, HP:0004904.
Transitory neonatal diabetes mellitus. Also called: Transient neonatal diabetes mellitus. Identifiers: MedGen C0342273, MONDO:0020525, HP:0008255.

Allele frequency attached by ClinVar (database versions not stated): gnomAD exomes below 0.00001; TOPMed below 0.00001; gnomAD 0.00001; ESP Exome Variant Server 0.00008.
gnomAD v4.1: 3 of 1,614,094 alleles (0.00019%); highest among the groups gnomAD compares: Admixed American, 0.0017%; no homozygotes.

Submissions (3):

Labcorp Genetics (formerly Invitae), Labcorp
Classification: Likely benign. Last evaluated: 2023-06-05. Review status: criteria provided, single submitter. Criteria: Invitae Variant Classification Sherloc (09022015). Collection method: clinical testing. Allele origin: germline.

Clinical Genomics, Uppaluri K&H Personalized Medicine Clinic
Classification: Uncertain significance for Maturity-onset diabetes of the young. Review status: criteria provided, single submitter. Criteria: K & H Uppaluri Personalized Medicine Clinic Variant Classification & Assertion Criteria_Updated V.1. Collection method: research. Allele origin: somatic. Inheritance: Somatic mutation.
Comment: Mutations in ABCC8 gene are associated with both neonatal diabetes mellitus as well as MODY. Patients with this mutation may have a better response to sulfonylureas. However, no sufficient evidence is found to ascertain the role of this particular variant ( rs368587840) in MODY yet.

Clinical Genomics, Uppaluri K&H Personalized Medicine Clinic
Classification: Uncertain significance for Transitory neonatal diabetes mellitus. Review status: criteria provided, single submitter. Criteria: K & H Uppaluri Personalized Medicine Clinic Variant Classification & Assertion Criteria_Updated V.1. Collection method: research. Allele origin: somatic. Inheritance: Somatic mutation.
Comment: Mutations in ABCC8 gene are associated with both neonatal diabetes mellitus as well as MODY. Patients with this mutation may have a better response to sulfonylureas. However, no sufficient evidence is found to ascertain the role of this particular variant (rs368587840) in neonatal diabetes yet.

Literature cited by the submitters: PubMed 16885549 (cited by Clinical Genomics, Uppaluri K&H Personalized Medicine Clinic); PubMed 21989597 (cited by Clinical Genomics, Uppaluri K&H Personalized Medicine Clinic); PubMed 27538677 (cited by Clinical Genomics, Uppaluri K&H Personalized Medicine Clinic); PubMed 18981553 (cited by Clinical Genomics, Uppaluri K&H Personalized Medicine Clinic); PubMed 32027066 (cited by Clinical Genomics, Uppaluri K&H Personalized Medicine Clinic); PubMed 16613899 (cited by Clinical Genomics, Uppaluri K&H Personalized Medicine Clinic); PubMed 18025408 (cited by Clinical Genomics, Uppaluri K&H Personalized Medicine Clinic); PubMed 32792356 (cited by Clinical Genomics, Uppaluri K&H Personalized Medicine Clinic).

NM_000352.6(ABCC8):c.3228G>T (p.Val1076=)

Gene: ABCC8 (ATP binding cassette subfamily C member 8; minus strand). Cytogenetic location: 11p15.1.
Variant type: single nucleotide variant.
Coding change: c.3228G>T on transcript NM_000352.6 (MANE Select); coding-DNA position 3228, G replaced by T.
Protein change: p.Val1076=; no amino-acid change (valine 1076 retained).
Molecular consequence: synonymous variant. On other transcripts: non-coding transcript variant (1).
Genome position (GRCh38, 1-based): chr11:17,406,723, C>A on the plus strand (G>T on the coding strand, the complement: ABCC8 is on the minus strand). VCF-style: chr11-17406723-C-A. GRCh37 (hg19) VCF-style: chr11-17428270-C-A.
Other names: c.3231G>T, p.Val1077= (NM_001287174.3); c.3294G>T, p.Val1098= (NM_001351295.2); c.3228G>T, p.Val1076= (NM_001351296.2); c.3225G>T, p.Val1075= (NM_001351297.2).
Identifiers: ClinVar variation 751328 (VCV000751328.9), dbSNP rs368587840, ClinGen allele CA218422512.